The following is an entry in ClinVar:

ClinVar aggregate classification (germline): Pathogenic (1 of 4 stars; one submission).

Conditions:
Amyotrophic lateral sclerosis type 6. Also called: FUS-Related Amyotrophic Laterial Sclerosis; Amyotrophic lateral sclerosis 6, with or without frontotemporal dementia; AMYOTROPHIC LATERAL SCLEROSIS 6 WITHOUT FRONTOTEMPORAL DEMENTIA. Identifiers: Orphanet 275872, Orphanet 803, MedGen C2931786, MONDO:0011951, OMIM 608030.
Tremor, hereditary essential, 4 (ETM4). Identifiers: MedGen C3539195, MONDO:0013888, OMIM 614782.

Submission:

Labcorp Genetics (formerly Invitae), Labcorp
Classification: Pathogenic for Tremor, hereditary essential, 4; Amyotrophic lateral sclerosis type 6. Last evaluated: 2023-02-14. Review status: criteria provided, single submitter. Criteria: Invitae Variant Classification Sherloc (09022015). Collection method: clinical testing. Allele origin: germline.
Comment: For these reasons, this variant has been classified as Pathogenic. This variant disrupts a region of the FUS protein in which other variant(s) (p.Pro525Leu) have been determined to be pathogenic (PMID: 19251627, 20579074, 20606625, 21280085, 21604077, 21907581, 22980027, 24899262, 25173930, 25625564, 26251528, 27123482). This suggests that this is a clinically significant region of the protein, and that variants that disrupt it are likely to be disease-causing. This sequence change results in a frameshift in the FUS gene (p.Gly465Trpfs*65). While this is not anticipated to result in nonsense mediated decay, it is expected to disrupt the last 62 amino acid(s) of the FUS protein and extend the protein by 2 additional amino acid residues. This variant is not present in population databases (gnomAD no frequency). This variant has not been reported in the literature in individuals affected with FUS-related conditions. ClinVar contains an entry for this variant (Variation ID: 1485282).

Literature cited by the submitters: PubMed 19251627; PubMed 20579074; PubMed 20606625; PubMed 21280085; PubMed 21604077; PubMed 21907581; PubMed 22980027; PubMed 24899262; PubMed 25173930; PubMed 25625564; PubMed 26251528; PubMed 27123482.

NM_004960.4(FUS):c.1391_1392dup (p.Gly465fs)

Gene: FUS (FUS RNA binding protein; plus strand). Cytogenetic location: 16p11.2.
Variant type: Duplication.
Coding change: c.1391_1392dup on transcript NM_004960.4 (MANE Select); coding-DNA positions 1391 to 1392, 2 bases duplicated (TG; older notation c.1391_1392dupTG).
Protein change: p.Gly465fs; shifts the reading frame from glycine 465.
Molecular consequence: frameshift variant. On other transcripts: non-coding transcript variant (1).
Genome position (GRCh38, 1-based): chr16:31,190,840-31,190,841, TG duplicated. VCF-style (leftmost placement, unchanged base first): chr16-31190839-A-ATG. GRCh37 (hg19) VCF-style: chr16-31202160-A-ATG.
Other names: c.1388_1389dup, p.Gly464fs (NM_001170634.1); c.1379_1380dup, p.Gly461fs (NM_001170937.1); short protein forms G464fs, G461fs, G465fs.
Identifiers: ClinVar variation 1485282 (VCV001485282.6), dbSNP rs2144138894, ClinGen allele CA2573152295.